The following is an entry in ClinVar:

ClinVar aggregate classification (germline): Uncertain significance (1 of 4 stars; one submission).

Conditions:
X-linked agammaglobulinemia with growth hormone deficiency (IGHD3). Also called: AGAMMAGLOBULINEMIA AND ISOLATED GROWTH HORMONE DEFICIENCY, X-LINKED; ISOLATED GROWTH HORMONE DEFICIENCY, TYPE III, WITH AGAMMAGLOBULINEMIA; FLEISHER SYNDROME; HYPOGAMMAGLOBULINEMIA AND ISOLATED GROWTH HORMONE DEFICIENCY, X-LINKED; IGHD III; Isolated growth hormone deficiency type 3. Identifiers: Orphanet 231692, Orphanet 631, MedGen C0472813, MONDO:0010615, OMIM 307200.

Submission:

Labcorp Genetics (formerly Invitae), Labcorp
Classification: Uncertain significance for X-linked agammaglobulinemia with growth hormone deficiency. Last evaluated: 2023-03-24. Review status: criteria provided, single submitter. Criteria: Invitae Variant Classification Sherloc (09022015). Collection method: clinical testing. Allele origin: germline.
Comment: This variant is not present in population databases (gnomAD no frequency). In summary, the available evidence is currently insufficient to determine the role of this variant in disease. Therefore, it has been classified as a Variant of Uncertain Significance. An algorithm developed to predict the effect of missense changes on protein structure and function (PolyPhen-2) suggests that this variant is likely to be tolerated. This variant has not been reported in the literature in individuals affected with BTK-related conditions. This sequence change replaces lysine, which is basic and polar, with glutamic acid, which is acidic and polar, at codon 18 of the BTK protein (p.Lys18Glu).

NM_000061.3(BTK):c.52A>G (p.Lys18Glu)

Gene: BTK (Bruton tyrosine kinase; minus strand). Cytogenetic location: Xq22.1.
Variant type: single nucleotide variant.
Coding change: c.52A>G on transcript NM_000061.3 (MANE Select); coding-DNA position 52, A replaced by G.
Protein change: p.Lys18Glu; replaces lysine 18 with glutamic acid.
Molecular consequence: missense variant.
Genome position (GRCh38, 1-based): chrX:101,375,233, T>C on the plus strand (A>G on the coding strand, the complement: BTK is on the minus strand). VCF-style: chrX-101375233-T-C. GRCh37 (hg19) VCF-style: chrX-100630221-T-C.
Other names: c.154A>G, p.Lys52Glu (NM_001287344.2); c.52A>G, p.Lys18Glu (NM_001287345.2); short protein forms K52E, K18E.
Identifiers: ClinVar variation 2849086 (VCV002849086.3), dbSNP rs2520695124, ClinGen allele CA413939688.